The following is an entry in ClinVar:

NM_006904.7(PRKDC):c.11698C>G (p.Leu3900Val)

Gene: PRKDC (protein kinase, DNA-activated, catalytic subunit; minus strand). Cytogenetic location: 8q11.21.
Variant type: single nucleotide variant.
Coding change: c.11698C>G on transcript NM_006904.7 (MANE Select); coding-DNA position 11698, C replaced by G.
Protein change: p.Leu3900Val; replaces leucine 3900 with valine.
Molecular consequence: missense variant.
Genome position (GRCh38, 1-based): chr8:47,778,614, G>C on the plus strand (C>G on the coding strand, the complement: PRKDC is on the minus strand). VCF-style: chr8-47778614-G-C. GRCh37 (hg19) VCF-style: chr8-48691175-G-C.
Other names: c.11605C>G, p.Leu3869Val (NM_001081640.2); short protein forms L3900V, L3869V.
Identifiers: ClinVar variation 581148 (VCV000581148.39), dbSNP rs201214138, ClinGen allele CA4739006.

ClinVar aggregate classification (germline): Conflicting classifications of pathogenicity. Review status: criteria provided, conflicting classifications (1 of 4 stars). 6 submissions from 6 submitters: Uncertain significance (5); Likely benign (1). Last evaluated 2025-01-23.

Conditions:
Severe combined immunodeficiency due to DNA-PKcs deficiency. Also called: IMMUNODEFICIENCY 26 WITH NEUROLOGIC ABNORMALITIES; Immunodeficiency 26 with or without neurologic abnormalities. Identifiers: Orphanet 317425, MedGen C4014833, MONDO:0014423, OMIM 615966.

Allele frequency attached by ClinVar (database versions not stated): TOPMed 0.00054; gnomAD 0.00057; 1000 Genomes Project 0.00060; 1000 Genomes Project 30x 0.00062; ESP Exome Variant Server 0.00065.
gnomAD v4.1: 1,233 of 1,613,794 alleles (0.076%); highest among the groups gnomAD compares: Middle Eastern, 0.23%; 2 homozygotes.

Submissions (6):

Labcorp Genetics (formerly Invitae), Labcorp
Classification: Uncertain significance for Severe combined immunodeficiency due to DNA-PKcs deficiency. Last evaluated: 2025-01-23. Review status: criteria provided, single submitter. Criteria: Invitae Variant Classification Sherloc (09022015). Collection method: clinical testing. Allele origin: germline.
Comment: This sequence change replaces leucine, which is neutral and non-polar, with valine, which is neutral and non-polar, at codon 3900 of the PRKDC protein (p.Leu3900Val). This variant is present in population databases (rs201214138, gnomAD 0.1%), and has an allele count higher than expected for a pathogenic variant. This missense change has been observed in individual(s) with common variable immunodeficiency (CVID) (PMID: 26122175). ClinVar contains an entry for this variant (Variation ID: 581148). Invitae Evidence Modeling of protein sequence and biophysical properties (such as structural, functional, and spatial information, amino acid conservation, physicochemical variation, residue mobility, and thermodynamic stability) indicates that this missense variant is expected to disrupt PRKDC protein function with a positive predictive value of 80%. In summary, the available evidence is currently insufficient to determine the role of this variant in disease. Therefore, it has been classified as a Variant of Uncertain Significance.

Blueprint Genetics
Classification: Uncertain significance. Last evaluated: 2024-11-13. Review status: criteria provided, single submitter. Criteria: ACMG Guidelines, 2015. Collection method: clinical testing. Allele origin: germline.

Women's Health and Genetics/Laboratory Corporation of America, LabCorp
Classification: Likely benign. Last evaluated: 2023-02-15. Review status: criteria provided, single submitter. Criteria: LabCorp Variant Classification Summary - May 2015. Collection method: clinical testing. Allele origin: germline.
Comment: Variant summary: PRKDC c.11695C>G (p.Leu3899Val), also referred to as c.11698C>G (p.Leu3900Val), results in a conservative amino acid change located in the phosphatidylinositol 3-/4-kinase, catalytic domain (IPR000403) of the encoded protein sequence. Four of five in-silico tools predict a damaging effect of the variant on protein function. The variant allele was found at a frequency of 0.00061 in 248328 control chromosomes, predominantly at a frequency of 0.001 within the Non-Finnish European subpopulation in the gnomAD database. The observed variant frequency within Non-Finnish European control individuals in the gnomAD database is approximately 3-fold of the estimated maximal expected allele frequency for a pathogenic variant in PRKDC causing Severe Combined Immunodeficiency phenotype (0.00035), suggesting that the variant is a benign polymorphism found primarily in populations of Non-Finnish European origin. c.11695C>G has been reported in the literature in the heterozygous state in one individual affected with Common Variable Immunodeficiency Disorder (van Schouwenburg_2015). This report does not provide unequivocal conclusions about association of the variant with Severe Combined Immunodeficiency. To our knowledge, no experimental evidence demonstrating an impact on protein function has been reported. Three submitters have provided clinical-significance assessments for this variant to ClinVar after 2014 and all classified the variant as uncertain significance. Based on the evidence outlined above, the variant was classified as likely benign.

CeGaT Center for Human Genetics Tuebingen
Classification: Uncertain significance. Last evaluated: 2022-10-01. Review status: criteria provided, single submitter. Criteria: CeGaT Center For Human Genetics Tuebingen Variant Classification Criteria Version 2. Collection method: clinical testing. Allele origin: germline. Affected: yes. Observed: 1 variant allele.

New York Genome Center
Classification: Uncertain significance for Severe combined immunodeficiency due to DNA-PKcs deficiency. Last evaluated: 2021-03-04. Review status: criteria provided, single submitter. Criteria: NYGC Assertion Criteria 2020. Collection method: clinical testing. Allele origin: inherited. Observed: 1 heterozygote. Study: CSER-NYCKidSeq.

Breakthrough Genomics
Classification: Uncertain significance. Review status: criteria provided, single submitter. Criteria: ACMG Guidelines, 2015. Collection method: not provided. Allele origin: germline. Inheritance: Autosomal recessive inheritance. Affected: yes.

Literature cited by the submitters: PubMed 26122175 (cited by Labcorp Genetics (formerly Invitae), Labcorp and Women's Health and Genetics/Laboratory Corporation of America, LabCorp).